The following is an entry in ClinVar:

ClinVar aggregate classification (germline): Uncertain significance (1 of 4 stars; one submission).

Conditions:
Hereditary breast ovarian cancer syndrome. Also called: Hereditary breast and ovarian cancer syndrome (HBOC); Hereditary breast and/or ovarian cancer syndrome; Hereditary breast and ovarian cancer; Hereditary breast and ovarian cancer syndrome; Breast and ovarian cancer; BRCA1- and BRCA2-Associated Hereditary Breast and Ovarian Cancer. Identifiers: Orphanet 145, MedGen C0677776, MeSH D061325, MONDO:0003582. Disease mechanism: loss of function.

Submission:

Labcorp Genetics (formerly Invitae), Labcorp
Classification: Uncertain significance for Hereditary breast ovarian cancer syndrome. Last evaluated: 2023-06-28. Review status: criteria provided, single submitter. Criteria: Invitae Variant Classification Sherloc (09022015). Collection method: clinical testing. Allele origin: germline.
Comment: This variant has not been reported in the literature in individuals affected with BRCA2-related conditions. In summary, the available evidence is currently insufficient to determine the role of this variant in disease. Therefore, it has been classified as a Variant of Uncertain Significance. Advanced modeling of protein sequence and biophysical properties (such as structural, functional, and spatial information, amino acid conservation, physicochemical variation, residue mobility, and thermodynamic stability) performed at Invitae indicates that this missense variant is not expected to disrupt BRCA2 protein function. This variant is not present in population databases (gnomAD no frequency). This sequence change replaces leucine, which is neutral and non-polar, with histidine, which is basic and polar, at codon 1768 of the BRCA2 protein (p.Leu1768His).

NM_000059.4(BRCA2):c.5303T>A (p.Leu1768His)

Gene: BRCA2 (BRCA2 DNA repair associated; plus strand). Cytogenetic location: 13q13.1.
Variant type: single nucleotide variant.
Coding change: c.5303T>A on transcript NM_000059.4 (MANE Select); coding-DNA position 5303, T replaced by A.
Protein change: p.Leu1768His; replaces leucine 1768 with histidine.
Molecular consequence: missense variant. On other transcripts: non-coding transcript variant (1), intron variant (2).
Genome position (GRCh38, 1-based): chr13:32,339,658, T>A. VCF-style: chr13-32339658-T-A. GRCh37 (hg19) VCF-style: chr13-32913795-T-A.
Other names: c.5303T>A, p.Leu1768His (NM_001406719.1, NM_001406720.1); c.1910-4900T>A (NM_001406721.1); c.425-4900T>A (NM_001406722.1); short protein forms L1768H.
Identifiers: ClinVar variation 2732171 (VCV002732171.3), dbSNP rs2137516143, ClinGen allele CA387784835.